The following continues an entry in ClinVar:

NM_000431.4(MVK):c.803T>C (p.Ile268Thr)

Gene: MVK. ClinVar aggregate classification (germline): Pathogenic/Likely pathogenic. Pathogenic (18); Likely pathogenic (1).

Submissions 12 to 26 of 26:

Ambry Genetics
Classification: Pathogenic for Inborn genetic diseases. Last evaluated: 2022-03-25. Review status: criteria provided, single submitter. Criteria: Ambry Variant Classification Scheme 2023. Collection method: clinical testing. Allele origin: germline.
Comment: The c.803T>C (p.I268T) alteration is located in exon 9 (coding exon 8) of the MVK gene. This alteration results from a T to C substitution at nucleotide position 803, causing the isoleucine (I) at amino acid position 268 to be replaced by a threonine (T). _x000D_ _x000D_ Based on the available evidence, the c.803T>C p.I268T alteration is classified as pathogenic for autosomal recessive mevalonate kinase deficiency; however, the association of this alteration with autosomal dominant MVK-related porokeratosis is unlikely. Based on data from gnomAD, the C allele has an overall frequency of 0.02% (44/282850) total alleles studied. The highest observed frequency was 0.03% (36/129164) of European (non-Finnish) alleles. This alteration has been reported as homozygous and compound heterozygous in multiple unrelated individuals with mevalonate kinase deficiency (Houten, 1999; Houten, 1999; Hinson, 1999; Cuisset, 2001; Sornsakrin, 2009; Gen&ccedil;pnar, 2012; Siemiatkowska, 2013; Jeyaratnam, 2016; Ter Haar, 2016; Dunn, 2018; Munoz, 2019; Correa, 2020; Brennenstuhl, 2021; Steiner, 2011). This amino acid position is well conserved in available vertebrate species. In two different studies involving patient cell lines, cells from two different patients (one homozygote and one compound heterozygote) showed reduced MKase enzymatic activity levels (Houten, 1999; Hinson, 1999). This alteration is predicted to be deleterious by in silico analysis. Based on the available evidence, this alteration is classified as pathogenic.

Molecular Genetics Laboratory, BC Children's and BC Women's Hospitals
Classification: Pathogenic for Hyperimmunoglobulin D with periodic fever. Last evaluated: 2022-03-24. Review status: criteria provided, single submitter. Criteria: ACMG Guidelines, 2015. Collection method: clinical testing. Allele origin: germline. Affected: yes.

Institute of Human Genetics, Univ. Regensburg, Univ. Regensburg
Classification: Pathogenic for Retinal dystrophy. Last evaluated: 2022-01-01. Review status: criteria provided, single submitter. Criteria: ACMG Guidelines, 2015. Collection method: clinical testing. Allele origin: germline. Affected: yes.

Department of Human Genetics, Hannover Medical School
Classification: Likely pathogenic for Hyperimmunoglobulin D with periodic fever. Last evaluated: 2021-12-21. Review status: criteria provided, single submitter. Criteria: ACMG Guidelines, 2015. Collection method: clinical testing. Allele origin: germline. Inheritance: Autosomal recessive inheritance. Affected: yes.

Genome Diagnostics Laboratory, The Hospital for Sick Children
Classification: Pathogenic for Autoinflammatory syndrome. Last evaluated: 2020-01-01. Review status: criteria provided, single submitter. Criteria: ACMG Guidelines, 2015. Collection method: clinical testing. Allele origin: germline. Affected: yes.

Institute of Human Genetics Munich, TUM University Hospital
Classification: Pathogenic for Mevalonic aciduria. Last evaluated: 2017-11-15. Review status: criteria provided, single submitter. Criteria: Classification criteria August 2017. Collection method: clinical testing. Allele origin: maternal. Inheritance: Autosomal recessive inheritance. Affected: yes. Observed: 1 compound heterozygote.

ARUP Laboratories, Molecular Genetics and Genomics, ARUP Laboratories
Classification: Pathogenic. Last evaluated: 2016-11-16. Review status: criteria provided, single submitter. Criteria: ARUP Molecular Germline Variant Investigation Process. Collection method: clinical testing. Allele origin: germline.

Baylor Genetics
Classification: Pathogenic for Hyperimmunoglobulin D with periodic fever; Mevalonic aciduria. Last evaluated: 2014-09-17. Review status: criteria provided, single submitter. Criteria: Yang et al. 2013. Collection method: clinical testing. Allele origin: maternal, germline. Inheritance: Autosomal recessive inheritance. Affected: yes. Observed: 2 variant alleles, 1 heterozygote, 1 compound heterozygote. Study: Adult_WES.
Comment: Variant pathogenic in recessive state; heterozygotes are carriers.

OMIM
Classification: Pathogenic for HYPER-IgD SYNDROME. Last evaluated: 2001-04-01. Review status: no assertion criteria provided. Collection method: literature only. Allele origin: germline. Not counted in ClinVar's aggregate classification.

OMIM
Classification: Pathogenic for MEVALONIC ACIDURIA. Last evaluated: 2001-04-01. Review status: no assertion criteria provided. Collection method: literature only. Allele origin: germline. Not counted in ClinVar's aggregate classification.

Clinical Genetics DNA and cytogenetics Diagnostics Lab, Erasmus MC, Erasmus Medical Center
Classification: Pathogenic. Review status: no assertion criteria provided. Collection method: clinical testing. Allele origin: germline. Affected: yes. Study: VKGL Data-share Consensus. Not counted in ClinVar's aggregate classification.

Genome Diagnostics Laboratory, Amsterdam University Medical Center
Classification: Pathogenic. Review status: no assertion criteria provided. Collection method: clinical testing. Allele origin: germline. Affected: yes. Study: VKGL Data-share Consensus. Not counted in ClinVar's aggregate classification.

Genome Diagnostics Laboratory, University Medical Center Utrecht
Classification: Pathogenic. Review status: no assertion criteria provided. Collection method: clinical testing. Allele origin: germline. Affected: yes. Study: VKGL Data-share Consensus. Not counted in ClinVar's aggregate classification.

Joint Genome Diagnostic Labs from Nijmegen and Maastricht, Radboudumc and MUMC+
Classification: Pathogenic. Review status: no assertion criteria provided. Collection method: clinical testing. Allele origin: germline. Affected: yes. Study: VKGL Data-share Consensus. Not counted in ClinVar's aggregate classification.

Unité médicale des maladies autoinflammatoires, CHRU Montpellier
No classification provided. Condition: Hyperimmunoglobulin D with periodic fever. Review status: no classification provided. Collection method: not provided. Allele origin: unknown. Not counted in ClinVar's aggregate classification.
Comment: also involved in OMIM 25117

Literature cited by the submitters: PubMed 8386351 (cited by Breda Genetics srl); PubMed 21425920 (cited by 5 submitters); PubMed 14711867 (cited by Breda Genetics srl); PubMed 10369261 (cited by 6 submitters); PubMed 10401001 (cited by 3 submitters); PubMed 10417275 (cited by Labcorp Genetics (formerly Invitae), Labcorp and Ambry Genetics); PubMed 11313769 (cited by 5 submitters); PubMed 19011501 (cited by Labcorp Genetics (formerly Invitae), Labcorp); PubMed 23692791 (cited by 3 submitters); PubMed 24470648 (cited by 4 submitters); PubMed 26116953 (cited by Labcorp Genetics (formerly Invitae), Labcorp and Institute of Human Genetics, Univ. Regensburg, Univ. Regensburg); PubMed 27142780 (cited by Labcorp Genetics (formerly Invitae), Labcorp and Mayo Clinic Laboratories, Mayo Clinic); PubMed 27213830 (cited by Labcorp Genetics (formerly Invitae), Labcorp and Ambry Genetics); PubMed 16234278 (cited by Women's Health and Genetics/Laboratory Corporation of America, LabCorp); PubMed 28359055 (cited by Mayo Clinic Laboratories, Mayo Clinic and Dasa); PubMed 31474985 (cited by 3 submitters); PubMed 32060250 (cited by 3 submitters); PubMed 33917151 (cited by Mayo Clinic Laboratories, Mayo Clinic and Dasa); PubMed 34145613 (cited by 3 submitters); PubMed 24084495 (cited by 4 submitters); PubMed 18839211 (cited by Ambry Genetics and Institute of Human Genetics, Univ. Regensburg, Univ. Regensburg); PubMed 26409462 (cited by Ambry Genetics); PubMed 29290516 (cited by Ambry Genetics and Institute of Human Genetics, Univ. Regensburg, Univ. Regensburg); PubMed 10896296 (cited by Institute of Human Genetics, Univ. Regensburg, Univ. Regensburg); PubMed 26990548 (cited by Institute of Human Genetics, Univ. Regensburg, Univ. Regensburg); PubMed 31589614 (cited by Institute of Human Genetics, Univ. Regensburg, Univ. Regensburg); PubMed 31028937 (cited by Institute of Human Genetics, Univ. Regensburg, Univ. Regensburg); PubMed 31964843 (cited by Institute of Human Genetics, Univ. Regensburg, Univ. Regensburg); PubMed 34525209 (cited by Institute of Human Genetics, Univ. Regensburg, Univ. Regensburg); PubMed 36242899 (cited by Institute of Human Genetics, Univ. Regensburg, Univ. Regensburg); PubMed 35916082 (cited by Institute of Human Genetics, Univ. Regensburg, Univ. Regensburg); PubMed 35753512 (cited by Institute of Human Genetics, Univ. Regensburg, Univ. Regensburg); PubMed 26633545 (cited by Baylor Genetics); PubMed 10369262 (cited by OMIM).